The following is an entry in ClinVar:

NM_000057.4(BLM):c.1021C>A (p.Leu341Ile)

Gene: BLM (BLM RecQ like helicase; plus strand). Cytogenetic location: 15q26.1.
Variant type: single nucleotide variant.
Coding change: c.1021C>A on transcript NM_000057.4 (MANE Select); coding-DNA position 1021, C replaced by A.
Protein change: p.Leu341Ile; replaces leucine 341 with isoleucine.
Molecular consequence: missense variant. On other transcripts: 5 prime UTR variant (1).
Genome position (GRCh38, 1-based): chr15:90,754,872, C>A. VCF-style: chr15-90754872-C-A. GRCh37 (hg19) VCF-style: chr15-91298102-C-A.
Other names: c.1021C>A, p.Leu341Ile (NM_001287246.2, NM_001287247.2); c.-271C>A (NM_001287248.2); short protein forms L341I.
Identifiers: ClinVar variation 1719470 (VCV001719470.6), dbSNP rs2151152210, ClinGen allele CA393842116.
Genomic context (GRCh38, chr15:90,754,872, plus strand): 5'-ACGTTAAAGGACCTTGACACCTCTGACAGAAAAGAGGATGTTCTTAGCACATCAAAAGAT[C>A]TTTTGTCAAAACCTGAGAAAATGAGTATGCAGGAGCTGAATCCAGAAACCAGCACAGACT-3'
Protein context (NP_000048.1, residues 331-351): KEDVLSTSKD[Leu341Ile]LSKPEKMSMQ

ClinVar aggregate classification (germline): Uncertain significance (1 of 4 stars; one submission).

Conditions:
Bloom syndrome (BLM). Also called: Bloom-Torre-Machacek syndrome. Identifiers: Orphanet 125, MedGen C0005859, MONDO:0008876, OMIM 210900.

Submission:

Labcorp Genetics (formerly Invitae), Labcorp
Classification: Uncertain significance for Bloom syndrome. Last evaluated: 2022-09-15. Review status: criteria provided, single submitter. Criteria: Invitae Variant Classification Sherloc (09022015). Collection method: clinical testing. Allele origin: germline.
Comment: In summary, the available evidence is currently insufficient to determine the role of this variant in disease. Therefore, it has been classified as a Variant of Uncertain Significance. Advanced modeling of protein sequence and biophysical properties (such as structural, functional, and spatial information, amino acid conservation, physicochemical variation, residue mobility, and thermodynamic stability) performed at Invitae indicates that this missense variant is not expected to disrupt BLM protein function. This variant has not been reported in the literature in individuals affected with BLM-related conditions. This variant is not present in population databases (gnomAD no frequency). This sequence change replaces leucine, which is neutral and non-polar, with isoleucine, which is neutral and non-polar, at codon 341 of the BLM protein (p.Leu341Ile).